The following continues an entry in ClinVar:

NM_002775.5(HTRA1):c.854C>T (p.Pro285Leu)

Gene: HTRA1. ClinVar aggregate classification (germline): Conflicting classifications of pathogenicity. Pathogenic (6); Uncertain significance (1).

Submissions 5 to 8 of 8:

Women's Health and Genetics/Laboratory Corporation of America, LabCorp
Classification: Pathogenic for HTRA1-related cerebral small vessel disease. Last evaluated: 2023-10-25. Review status: criteria provided, single submitter. Criteria: LabCorp Variant Classification Summary - May 2015. Collection method: clinical testing. Allele origin: germline.
Comment: Variant summary: HTRA1 c.854C>T (p.Pro285Leu) results in a non-conservative amino acid change in the encoded protein sequence. Five of five in-silico tools predict a damaging effect of the variant on protein function. The variant allele was found at a frequency of 4e-06 in 251248 control chromosomes (gnomAD). c.854C>T has been reported in the literature in the homozygous state in an individual affected with HTRA1-Related Cerebral Small Vessel Disease, with a brother who was similarly affected but was not available for genetic testing, and whose parents were heterozygous for the variant, the father reportedly having moderate symptoms (Chen_2013). The variant has also been reported in the heterozygous state in multiple individuals with a clinical diagnosis and/or features of HTRA1-Related Cerebral Small Vessel Disease, primarily with an adult onset of over 45 years of age (e.g. Nozaki_2016, Fokstuen_2016, Zhang_2022, Uemura_2023, He_2023). Altogether, these data indicate that the variant is very likely to be associated with disease. At least two publications report experimental evidence evaluating an impact on protein function (e.g. Nozaki_2016, Zhang_2022). The most pronounced variant effect results in 10%-<30% protease activity compared to the wild type protein. The following publications have been ascertained in the context of this evaluation (PMID: 23963851, 27353043, 36253578, 27164673, 36261288, 36047879, 36380532). Three submitters have cited clinical-significance assessments for this variant to ClinVar after 2014. Two submitters classified the variant as pathogenic/likely pathogenic and one classified it as uncertain significance. Based on the evidence outlined above, the variant was classified as pathogenic.

CeGaT Center for Human Genetics Tuebingen
Classification: Pathogenic. Last evaluated: 2019-01-01. Review status: criteria provided, single submitter. Criteria: CeGaT Center For Human Genetics Tuebingen Variant Classification Criteria Version 2. Collection method: clinical testing. Allele origin: germline. Affected: yes. Observed: 1 variant allele.

Center of Genomic medicine, Geneva, University Hospital of Geneva
Classification: Uncertain significance for Cerebral arteriopathy, autosomal recessive, with subcortical infarcts and leukoencephalopathy 2. Last evaluated: 2015-09-18. Review status: criteria provided, single submitter. Criteria: ACMG Guidelines, 2015. Collection method: clinical testing. Allele origin: germline. Affected: yes.

GeneReviews
No classification provided. Condition: Cerebral arteriopathy, autosomal recessive, with subcortical infarcts and leukoencephalopathy 2. Review status: no classification provided. Collection method: literature only. Allele origin: germline. Affected: yes. Not counted in ClinVar's aggregate classification.

Literature cited by the submitters: PubMed 23963851 (cited by 4 submitters); PubMed 27164673 (cited by 3 submitters); PubMed 27353043 (cited by Labcorp Genetics (formerly Invitae), Labcorp and Women's Health and Genetics/Laboratory Corporation of America, LabCorp); PubMed 36253578 (cited by 3 submitters); PubMed 26063658 (cited by Labcorp Genetics (formerly Invitae), Labcorp); PubMed 31316458 (cited by Victorian Clinical Genetics Services, Murdoch Childrens Research Institute); PubMed 19387015 (cited by Victorian Clinical Genetics Services, Murdoch Childrens Research Institute); PubMed 29895533 (cited by Victorian Clinical Genetics Services, Murdoch Childrens Research Institute); PubMed 36035189 (cited by Victorian Clinical Genetics Services, Murdoch Childrens Research Institute); PubMed 32719647 (cited by Victorian Clinical Genetics Services, Murdoch Childrens Research Institute); PubMed 36261288 (cited by Victorian Clinical Genetics Services, Murdoch Childrens Research Institute and Women's Health and Genetics/Laboratory Corporation of America, LabCorp); PubMed 36380532 (cited by Women's Health and Genetics/Laboratory Corporation of America, LabCorp); PubMed 36047879 (cited by Women's Health and Genetics/Laboratory Corporation of America, LabCorp); NCBI Bookshelf NBK32533 (cited by GeneReviews).